The following is an entry in ClinVar:

NM_001621.5(AHR):c.2524T>A (p.Leu842Met)

Gene: AHR (aryl hydrocarbon receptor; plus strand). Cytogenetic location: 7p21.1.
Variant type: single nucleotide variant.
Coding change: c.2524T>A on transcript NM_001621.5 (MANE Select); coding-DNA position 2524, T replaced by A.
Protein change: p.Leu842Met; replaces leucine 842 with methionine.
Molecular consequence: missense variant.
Genome position (GRCh38, 1-based): chr7:17,343,041, T>A. VCF-style: chr7-17343041-T-A. GRCh37 (hg19) VCF-style: chr7-17382665-T-A.
Other names: short protein forms L842M.
Identifiers: ClinVar variation 1374372 (VCV001374372.8), dbSNP rs762053323, ClinGen allele CA4172325.

ClinVar aggregate classification (germline): Uncertain significance (1 of 4 stars; one submission).

Allele frequency attached by ClinVar (database versions not stated): ExAC 0.00001; gnomAD 0.00001; gnomAD exomes 0.00001; TOPMed 0.00001.
gnomAD v4.1: 13 of 1,613,814 alleles (0.00081%); highest among the groups gnomAD compares: Middle Eastern, 0.016%; no homozygotes.

Submission:

Labcorp Genetics (formerly Invitae), Labcorp
Classification: Uncertain significance. Last evaluated: 2024-02-23. Review status: criteria provided, single submitter. Criteria: Invitae Variant Classification Sherloc (09022015). Collection method: clinical testing. Allele origin: germline.
Comment: This sequence change replaces leucine, which is neutral and non-polar, with methionine, which is neutral and non-polar, at codon 842 of the AHR protein (p.Leu842Met). This variant is present in population databases (rs762053323, gnomAD 0.0009%). This variant has not been reported in the literature in individuals affected with AHR-related conditions. ClinVar contains an entry for this variant (Variation ID: 1374372). Algorithms developed to predict the effect of missense changes on protein structure and function output the following: SIFT: "Not Available"; PolyPhen-2: "Benign"; Align-GVGD: "Not Available". The methionine amino acid residue is found in multiple mammalian species, which suggests that this missense change does not adversely affect protein function. In summary, the available evidence is currently insufficient to determine the role of this variant in disease. Therefore, it has been classified as a Variant of Uncertain Significance.